The following is an entry in ClinVar:

ClinVar aggregate classification (germline): Uncertain significance (1 of 4 stars; one submission).

Conditions:
Peroxisome biogenesis disorder, complementation group 7 (CG7). Also called: Peroxisome biogenesis disorder, complementation group B. Identifiers: MedGen C1864399.

Allele frequency attached by ClinVar (database versions not stated): gnomAD exomes below 0.00001 and 0.00001; TOPMed below 0.00001; gnomAD 0.00001.
gnomAD v4.1: 3 of 1,610,470 alleles (0.00019%); highest among the groups gnomAD compares: African/African-American, 0.004%; no homozygotes.

Submission:

Labcorp Genetics (formerly Invitae), Labcorp
Classification: Uncertain significance for Peroxisome biogenesis disorder, complementation group 7. Last evaluated: 2025-05-27. Review status: criteria provided, single submitter. Criteria: Invitae Variant Classification Sherloc (09022015). Collection method: clinical testing. Allele origin: germline.
Comment: This sequence change replaces arginine, which is basic and polar, with lysine, which is basic and polar, at codon 260 of the PEX10 protein (p.Arg260Lys). This variant is present in population databases (no rsID available, gnomAD 0.007%). This variant has not been reported in the literature in individuals affected with PEX10-related conditions. ClinVar contains an entry for this variant (Variation ID: 1382799). An algorithm developed to predict the effect of missense changes on protein structure and function outputs the following: PolyPhen-2: "Benign". The lysine amino acid residue is found in multiple mammalian species, which suggests that this missense change does not adversely affect protein function. In summary, the available evidence is currently insufficient to determine the role of this variant in disease. Therefore, it has been classified as a Variant of Uncertain Significance.

NM_002617.4(PEX10):c.719G>A (p.Arg240Lys)

Gene: PEX10 (peroxisomal biogenesis factor 10; minus strand). Cytogenetic location: 1p36.32.
Variant type: single nucleotide variant.
Coding change: c.719G>A on transcript NM_002617.4 (MANE Select); coding-DNA position 719, G replaced by A.
Protein change: p.Arg240Lys; replaces arginine 240 with lysine.
Molecular consequence: missense variant. On other transcripts: non-coding transcript variant (1).
Genome position (GRCh38, 1-based): chr1:2,406,777, C>T on the plus strand (G>A on the coding strand, the complement: PEX10 is on the minus strand). VCF-style: chr1-2406777-C-T. GRCh37 (hg19) VCF-style: chr1-2338216-C-T.
Other names: c.776G>A, p.Arg259Lys (NM_001374425.1); c.344G>A, p.Arg115Lys (NM_001374426.1); c.287G>A, p.Arg96Lys (NM_001374427.1); c.779G>A, p.Arg260Lys (NM_153818.2); short protein forms R260K, R240K, R259K, R115K, R96K.
Identifiers: ClinVar variation 1382799 (VCV001382799.7), dbSNP rs1419912761, ClinGen allele CA337985290.